The following is an entry in ClinVar:

ClinVar aggregate classification (germline): Uncertain significance (1 of 4 stars; one submission).

Submission:

Mayo Clinic Laboratories, Mayo Clinic
Classification: Uncertain significance. Last evaluated: 2024-06-07. Review status: criteria provided, single submitter. Criteria: ACMG Guidelines, 2015. Collection method: clinical testing. Allele origin: germline. Observed: 1 variant allele.
Comment: PM2

NM_001267550.2(TTN):c.71412G>C (p.Gln23804His)

Genes: TTN (titin; minus strand), TTN-AS1 (TTN antisense RNA 1; plus strand). Cytogenetic location: 2q31.2.
Variant type: single nucleotide variant.
Coding change: c.71412G>C on transcript NM_001267550.2 (MANE Select); coding-DNA position 71412, G replaced by C.
Protein change: p.Gln23804His; replaces glutamine 23804 with histidine.
Molecular consequence: missense variant.
Genome position (GRCh38, 1-based): chr2:178,574,720, C>G on the plus strand (G>C on the coding strand, the complement: TTN is on the minus strand). VCF-style: chr2-178574720-C-G. GRCh37 (hg19) VCF-style: chr2-179439447-C-G.
Other names: p.Gln22163His; c.66489G>C, p.Gln22163His (NM_001256850.1); c.44217G>C, p.Gln14739His (NM_003319.4); c.63708G>C, p.Gln21236His (NM_133378.4); c.44592G>C, p.Gln14864His (NM_133432.3); c.44793G>C, p.Gln14931His (NM_133437.4); short protein forms Q14739H, Q14864H, Q14931H, Q21236H, Q22163H, Q23804H.
Identifiers: ClinVar variation 3380876 (VCV003380876.1).
Genomic context (GRCh38, chr2:178,574,720, plus strand): 5'-AAATGGATAGTTGGCAACTATGCATGCTGATGTGATGCCTGGTCCAACTCCATATCTATT[C>G]TGAGCTTTTACACGGAACTGATACTCTAATCCAGTAGTAAGGCGGGTGGCTTTATAGGTA-3'
Protein context (NP_001254479.2, residues 23794-23814): GLEYQFRVKA[Gln23804His]NRYGVGPGIT